The following is an entry in ClinVar:

ClinVar aggregate classification (germline): Uncertain significance (1 of 4 stars; one submission).

Conditions:
Hereditary cancer-predisposing syndrome. Also called: Tumor predisposition; Hereditary Cancer Syndrome; Hereditary neoplastic syndrome; Neoplastic Syndromes, Hereditary. Identifiers: Orphanet 140162, MedGen C0027672, MeSH D009386, MONDO:0015356.

Allele frequency attached by ClinVar (database versions not stated): gnomAD exomes below 0.00001.
gnomAD v4.1: 4 of 1,612,958 alleles (0.00025%); highest among the groups gnomAD compares: South Asian, 0.0011%; no homozygotes.

Submission:

Ambry Genetics
Classification: Uncertain significance for Hereditary cancer-predisposing syndrome. Last evaluated: 2025-10-27. Review status: criteria provided, single submitter. Criteria: Ambry Variant Classification Scheme 2023. Collection method: clinical testing. Allele origin: germline.
Comment: The p.D317N variant (also known as c.949G>A), located in coding exon 7 of the ATM gene, results from a G to A substitution at nucleotide position 949. The aspartic acid at codon 317 is replaced by asparagine, an amino acid with highly similar properties. In an assay testing ATM function, this variant showed a functionally abnormal result (Lee KS et al. Cell, 2025 Sep;188:5081-5099.e27). This amino acid position is well conserved in available vertebrate species. In addition, this alteration is predicted to be tolerated by in silico analysis. Based on the available evidence, the clinical significance of this variant remains unclear.

Literature cited by the submitters: PubMed 40580951.

NM_000051.4(ATM):c.949G>A (p.Asp317Asn)

Gene: ATM (ATM serine/threonine kinase; plus strand). Cytogenetic location: 11q22.3.
Variant type: single nucleotide variant.
Coding change: c.949G>A on transcript NM_000051.4 (MANE Select); coding-DNA position 949, G replaced by A.
Protein change: p.Asp317Asn; replaces aspartic acid 317 with asparagine.
Molecular consequence: missense variant.
Genome position (GRCh38, 1-based): chr11:108,247,011, G>A. VCF-style: chr11-108247011-G-A. GRCh37 (hg19) VCF-style: chr11-108117738-G-A.
Other names: c.949G>A, p.Asp317Asn (NM_001351834.2); short protein forms D317N.
Identifiers: ClinVar variation 2587801 (VCV002587801.3), dbSNP rs1445292591, ClinGen allele CA382530848.
Genomic context (GRCh38, chr11:108,247,011, plus strand): 5'-TTTTGGATTACAGGTGCTTATGAATCAACAAAATGGAGAAGTATTTTATACAACTTATAT[G>A]ATCTGCTAGTGAATGAGATAAGTCATATAGGAAGTAGAGGAAAGTATTCTTCAGGATTTC-3'
Protein context (NP_000042.3, residues 307-327): KWRSILYNLY[Asp317Asn]LLVNEISHIG